The following is an entry in ClinVar:

ClinVar aggregate classification (germline): Uncertain significance (1 of 4 stars; one submission).

gnomAD v4.1: 4 of 1,613,772 alleles (0.00025%); highest among the groups gnomAD compares: Non-Finnish European, 0.00034%; no homozygotes.

Submission:

Ambry Genetics
Classification: Uncertain significance. Last evaluated: 2025-10-26. Review status: criteria provided, single submitter. Criteria: Ambry Variant Classification Scheme 2023. Collection method: clinical testing. Allele origin: germline.
Comment: The p.H737Q variant (also known as c.2211T>A), located in coding exon 1 of the TET2 gene, results from a T to A substitution at nucleotide position 2211. The histidine at codon 737 is replaced by glutamine, an amino acid with highly similar properties. This amino acid position is conserved. In addition, this alteration is predicted to be tolerated by in silico analysis. Based on the available evidence, the clinical significance of this variant remains unclear.

NM_001127208.3(TET2):c.2211T>A (p.His737Gln)

Genes: TET2 (tet methylcytosine dioxygenase 2; plus strand), TET2-AS1 (TET2 antisense RNA 1; minus strand). Cytogenetic location: 4q24.
Variant type: single nucleotide variant.
Coding change: c.2211T>A on transcript NM_001127208.3 (MANE Select); coding-DNA position 2211, T replaced by A.
Protein change: p.His737Gln; replaces histidine 737 with glutamine.
Molecular consequence: missense variant.
Genome position (GRCh38, 1-based): chr4:105,236,153, T>A. VCF-style: chr4-105236153-T-A. GRCh37 (hg19) VCF-style: chr4-106157310-T-A.
Other names: c.2211T>A, p.His737Gln (NM_017628.4); short protein forms H737Q.
Identifiers: ClinVar variation 4594172 (VCV004594172.1).